The following is an entry in ClinVar:

NM_003743.5(NCOA1):c.2010C>T (p.Asn670=)

Gene: NCOA1 (nuclear receptor coactivator 1; plus strand). Cytogenetic location: 2p23.3.
Variant type: single nucleotide variant.
Coding change: c.2010C>T on transcript NM_003743.5 (MANE Select); coding-DNA position 2010, C replaced by T.
Protein change: p.Asn670=; no amino-acid change (asparagine 670 retained).
Molecular consequence: synonymous variant.
Genome position (GRCh38, 1-based): chr2:24,707,480, C>T. VCF-style: chr2-24707480-C-T. GRCh37 (hg19) VCF-style: chr2-24930349-C-T.
Other names: c.2010C>T, p.Asn670= (NM_001362950.1, NM_001362952.1, NM_001362954.1 and 3 more transcripts).
Identifiers: ClinVar variation 3353837 (VCV003353837.1).

ClinVar aggregate classification (germline): Likely benign (0 of 4 stars; one submission).

Conditions:
NCOA1-related disorder. Also called: NCOA1-related condition.

gnomAD v4.1: 5 of 1,614,104 alleles (0.00031%); highest among the groups gnomAD compares: African/African-American, 0.0067%; no homozygotes.

Submission:

PreventionGenetics, part of Exact Sciences
Classification: Likely benign for NCOA1-related condition. Last evaluated: 2022-12-13. Review status: no assertion criteria provided. Collection method: clinical testing. Allele origin: germline.
Comment: This variant is classified as likely benign based on ACMG/AMP sequence variant interpretation guidelines (Richards et al. 2015 PMID: 25741868, with internal and published modifications).